The following is an entry in ClinVar:

NM_015650.4(TRAF3IP1):c.768dup (p.Lys257fs)

Gene: TRAF3IP1 (TRAF3 interacting protein 1; plus strand). Cytogenetic location: 2q37.3.
Variant type: Duplication.
Coding change: c.768dup on transcript NM_015650.4 (MANE Select); coding-DNA position 768, one base duplicated (G; older notation c.768dupG).
Protein change: p.Lys257fs; shifts the reading frame from lysine 257.
Molecular consequence: frameshift variant.
Genome position (GRCh38, 1-based): chr2:238,329,195, G duplicated; the last of 7 consecutive G bases (chr2:238,329,189-238,329,195); duplicating any one gives the same sequence. VCF-style (leftmost placement, unchanged base first): chr2-238329188-A-AG. GRCh37 (hg19) VCF-style: chr2-239237829-A-AG.
Other names: c.768dup, p.Lys257fs (NM_001139490.1); short protein forms K257fs.
Identifiers: ClinVar variation 1498494 (VCV001498494.6), dbSNP rs768602332, ClinGen allele CA2198132.

ClinVar aggregate classification (germline): Pathogenic (1 of 4 stars; one submission).

Submission:

Labcorp Genetics (formerly Invitae), Labcorp
Classification: Pathogenic. Last evaluated: 2022-10-17. Review status: criteria provided, single submitter. Criteria: Invitae Variant Classification Sherloc (09022015). Collection method: clinical testing. Allele origin: germline.
Comment: For these reasons, this variant has been classified as Pathogenic. This sequence change creates a premature translational stop signal (p.Lys257Glufs*44) in the TRAF3IP1 gene. It is expected to result in an absent or disrupted protein product. Loss-of-function variants in TRAF3IP1 are known to be pathogenic (PMID: 21945076, 26487268, 29068549). The frequency data for this variant in the population databases is considered unreliable, as metrics indicate poor data quality at this position in the gnomAD database. This variant has not been reported in the literature in individuals affected with TRAF3IP1-related conditions. ClinVar contains an entry for this variant (Variation ID: 1498494).

Literature cited by the submitters: PubMed 21945076; PubMed 26487268; PubMed 29068549.